The following is an entry in ClinVar:

ClinVar aggregate classification (germline): Uncertain significance (1 of 4 stars; one submission).

gnomAD v4.1: 2 of 1,614,152 alleles (0.00012%); highest among the groups gnomAD compares: Middle Eastern, 0.016%; no homozygotes.

Submission:

Ambry Genetics
Classification: Uncertain significance. Last evaluated: 2024-07-17. Review status: criteria provided, single submitter. Criteria: Ambry Variant Classification Scheme 2023. Collection method: clinical testing. Allele origin: germline.
Comment: The p.A177V variant (also known as c.530C>T), located in coding exon 1 of the MLH3 gene, results from a C to T substitution at nucleotide position 530. The alanine at codon 177 is replaced by valine, an amino acid with similar properties. This amino acid position is conserved. In addition, this alteration is predicted to be deleterious by in silico analysis. Since supporting evidence is limited at this time, the clinical significance of this alteration remains unclear.

NM_001040108.2(MLH3):c.530C>T (p.Ala177Val)

Gene: MLH3 (mutL homolog 3; minus strand). Cytogenetic location: 14q24.3.
Variant type: single nucleotide variant.
Coding change: c.530C>T on transcript NM_001040108.2 (MANE Select); coding-DNA position 530, C replaced by T.
Protein change: p.Ala177Val; replaces alanine 177 with valine.
Molecular consequence: missense variant.
Genome position (GRCh38, 1-based): chr14:75,049,126, G>A on the plus strand (C>T on the coding strand, the complement: MLH3 is on the minus strand). VCF-style: chr14-75049126-G-A. GRCh37 (hg19) VCF-style: chr14-75515829-G-A.
Other names: c.530C>T, p.Ala177Val (NM_014381.3); short protein forms A177V.
Identifiers: ClinVar variation 1746751 (VCV001746751.3), dbSNP rs1483689262, ClinGen allele CA390449955.
Genomic context (GRCh38, chr14:75,049,126, plus strand): 5'-ATGGAACCAGAAACATCATTTCTCAAAGAGAAAGAAATGGAAGGGTGCATGAGTGAGAGA[G>A]CTTCTATTCTCTGCCTAACCTTCTCAAACTCCAGTCTAGGGTCCATGCATTTCCTCCTTA-3'
Protein context (NP_001035197.1, residues 167-187): EFEKVRQRIE[Ala177Val]LSLMHPSISF